The following is an entry in ClinVar:

ClinVar aggregate classification (germline): Conflicting classifications of pathogenicity. Review status: criteria provided, conflicting classifications (1 of 4 stars). 4 submissions from 4 submitters: Likely pathogenic (2); Uncertain significance (2). Last evaluated 2026-08-12.

Conditions:
Hypochondroplasia (HCH). Identifiers: Orphanet 429, MedGen C0410529, MONDO:0007793, OMIM 146000. Disease mechanism: gain of function.

Submissions (4):

GeneDx
Classification: Likely pathogenic. Last evaluated: 2026-08-12. Review status: criteria provided, single submitter. Criteria: GeneDx Variant Classification Process June 2021. Collection method: clinical testing. Allele origin: germline.
Comment: Reported in patients with a clinical diagnosis of hypochondroplasia, but it is unknown whether these individuals were tested for variants in other genes associated with short stature (PMID: 37814549); Not observed at significant frequency in large population cohorts (gnomAD); In silico analysis supports that this missense variant has a deleterious effect on protein structure/function; This variant is associated with the following publications: (PMID: 37814549)

Genomenon, Inc
Classification: Likely pathogenic for Hypochondroplasia. Last evaluated: 2026-06-23. Review status: criteria provided, single submitter. Criteria: Genomenon Sequence Variant Interpretation Standards - Updated. Collection method: curation. Allele origin: germline. Affected: yes.
Comment: FGFR3 p.Tyr305Cys (c.914A>G) is a missense variant that changes the amino acid at codon 305 from Tyrosine to Cysteine. This variant has been observed in at least one proband with hypochondroplasia (PMID:37814549). It is absent or not present at a significant frequency in gnomAD. In silico models predict that this variant is possibly or probably damaging. In conclusion, we classify FGFR3 p.Tyr305Cys (c.914A>G) as a likely pathogenic variant.

Labcorp Genetics (formerly Invitae), Labcorp
Classification: Uncertain significance. Last evaluated: 2024-06-05. Review status: criteria provided, single submitter. Criteria: Invitae Variant Classification Sherloc (09022015). Collection method: clinical testing. Allele origin: germline.
Comment: This sequence change replaces tyrosine, which is neutral and polar, with cysteine, which is neutral and slightly polar, at codon 305 of the FGFR3 protein (p.Tyr305Cys). This variant is not present in population databases (gnomAD no frequency). This variant has not been reported in the literature in individuals affected with FGFR3-related conditions. ClinVar contains an entry for this variant (Variation ID: 2441427). Advanced modeling of protein sequence and biophysical properties (such as structural, functional, and spatial information, amino acid conservation, physicochemical variation, residue mobility, and thermodynamic stability) performed at Invitae indicates that this missense variant is expected to disrupt FGFR3 protein function with a positive predictive value of 80%. In summary, the available evidence is currently insufficient to determine the role of this variant in disease. Therefore, it has been classified as a Variant of Uncertain Significance.

Revvity Omics, Revvity
Classification: Uncertain significance. Last evaluated: 2021-06-11. Review status: criteria provided, single submitter. Criteria: ACMG Guidelines, 2015. Collection method: clinical testing. Allele origin: germline.

Literature cited by the submitters: PubMed 37814549 (cited by Genomenon, Inc).

NM_000142.5(FGFR3):c.914A>G (p.Tyr305Cys)

Gene: FGFR3 (fibroblast growth factor receptor 3; plus strand). Cytogenetic location: 4p16.3.
Variant type: single nucleotide variant.
Coding change: c.914A>G on transcript NM_000142.5 (MANE Select); coding-DNA position 914, A replaced by G.
Protein change: p.Tyr305Cys; replaces tyrosine 305 with cysteine.
Molecular consequence: missense variant. On other transcripts: non-coding transcript variant (1).
Genome position (GRCh38, 1-based): chr4:1,802,009, A>G. VCF-style: chr4-1802009-A-G. GRCh37 (hg19) VCF-style: chr4-1803736-A-G.
Other names: c.914A>G, p.Tyr305Cys (NM_001163213.2, NM_001354809.2, NM_001354810.2 and 1 more transcripts); short protein forms Y305C.
Identifiers: ClinVar variation 2441427 (VCV002441427.8), dbSNP rs2108785010, ClinGen allele CA355976666.